The following is an entry in ClinVar:

NM_000059.4(BRCA2):c.4865G>T (p.Arg1622Ile)

Gene: BRCA2 (BRCA2 DNA repair associated; plus strand). Cytogenetic location: 13q13.1.
Variant type: single nucleotide variant.
Coding change: c.4865G>T on transcript NM_000059.4 (MANE Select); coding-DNA position 4865, G replaced by T.
Protein change: p.Arg1622Ile; replaces arginine 1622 with isoleucine.
Molecular consequence: missense variant.
Genome position (GRCh38, 1-based): chr13:32,339,220, G>T. VCF-style: chr13-32339220-G-T. GRCh37 (hg19) VCF-style: chr13-32913357-G-T.
Other names: short protein forms R1622I.
Identifiers: ClinVar variation 1017395 (VCV001017395.13), dbSNP rs864622427, ClinGen allele CA387783439.

ClinVar aggregate classification (germline): Conflicting classifications of pathogenicity. Review status: criteria provided, conflicting classifications (1 of 4 stars). 3 submissions from 3 submitters: Uncertain significance (2); Likely benign (1). Last evaluated 2025-08-03.

Conditions:
Hereditary cancer-predisposing syndrome. Also called: Tumor predisposition; Neoplastic Syndromes, Hereditary; Hereditary neoplastic syndrome; Hereditary Cancer Syndrome. Identifiers: Orphanet 140162, MedGen C0027672, MeSH D009386, MONDO:0015356.
Hereditary breast ovarian cancer syndrome. Also called: BRCA1- and BRCA2-Associated Hereditary Breast and Ovarian Cancer; Hereditary breast and/or ovarian cancer syndrome; Hereditary breast and ovarian cancer syndrome; Hereditary breast and ovarian cancer; Hereditary breast and ovarian cancer syndrome (HBOC); Breast and ovarian cancer. Identifiers: Orphanet 145, MedGen C0677776, MeSH D061325, MONDO:0003582. Disease mechanism: loss of function.

Submissions (3):

Ambry Genetics
Classification: Uncertain significance for Hereditary cancer-predisposing syndrome. Last evaluated: 2025-08-03. Review status: criteria provided, single submitter. Criteria: Ambry Variant Classification Scheme 2023. Collection method: clinical testing. Allele origin: germline.
Comment: The p.R1622I variant (also known as c.4865G>T), located in coding exon 10 of the BRCA2 gene, results from a G to T substitution at nucleotide position 4865. The arginine at codon 1622 is replaced by isoleucine, an amino acid with similar properties. This amino acid position is conserved. In addition, this alteration is predicted to be tolerated by in silico analysis. Since supporting evidence is limited at this time, the clinical significance of this alteration remains unclear.

Labcorp Genetics (formerly Invitae), Labcorp
Classification: Uncertain significance for Hereditary breast ovarian cancer syndrome. Last evaluated: 2023-05-25. Review status: criteria provided, single submitter. Criteria: Invitae Variant Classification Sherloc (09022015). Collection method: clinical testing. Allele origin: germline.
Comment: In summary, the available evidence is currently insufficient to determine the role of this variant in disease. Therefore, it has been classified as a Variant of Uncertain Significance. Advanced modeling of protein sequence and biophysical properties (such as structural, functional, and spatial information, amino acid conservation, physicochemical variation, residue mobility, and thermodynamic stability) performed at Invitae indicates that this missense variant is not expected to disrupt BRCA2 protein function. ClinVar contains an entry for this variant (Variation ID: 1017395). This variant has not been reported in the literature in individuals affected with BRCA2-related conditions. This variant is not present in population databases (gnomAD no frequency). This sequence change replaces arginine, which is basic and polar, with isoleucine, which is neutral and non-polar, at codon 1622 of the BRCA2 protein (p.Arg1622Ile).

University of Washington Department of Laboratory Medicine, University of Washington
Classification: Likely benign for Hereditary cancer-predisposing syndrome. Last evaluated: 2023-03-23. Review status: criteria provided, single submitter. Criteria: Dines et al. (Genet Med. 2020). Collection method: curation. Allele origin: germline.
Comment: Missense variant in a coldspot region where missense variants are very unlikely to be pathogenic (PMID:31911673).

BRCA2 exon 11 coldspot. Reclassification based on statistical prior probability.